The following is an entry in ClinVar:

ClinVar aggregate classification (germline): Uncertain significance. Review status: criteria provided, single submitter (1 of 4 stars). 2 submissions from 2 submitters: Uncertain significance (1). 1 of the submissions does not count toward it. Last evaluated 2019-04-03.

Conditions:
IFT172-related disorder. Also called: IFT172-related disorders; IFT172-related condition.
Retinitis pigmentosa 71 (RP71). Identifiers: Orphanet 791, MedGen C4225342, MONDO:0014618, OMIM 616394.
Short-rib thoracic dysplasia 10 with or without polydactyly (SRTD10). Identifiers: Orphanet 474, MedGen C3810175, MONDO:0014284, OMIM 615630.

Allele frequency attached by ClinVar (database versions not stated): gnomAD exomes below 0.00001.
gnomAD v4.1: 2 of 1,613,968 alleles (0.00012%); highest among the groups gnomAD compares: African/African-American, 0.0013%; no homozygotes.

Submissions (2):

Labcorp Genetics (formerly Invitae), Labcorp
Classification: Uncertain significance for Retinitis pigmentosa 71; Short-rib thoracic dysplasia 10 with or without polydactyly. Last evaluated: 2019-04-03. Review status: criteria provided, single submitter. Criteria: Invitae Variant Classification Sherloc (09022015). Collection method: clinical testing. Allele origin: germline.
Comment: In summary, the available evidence is currently insufficient to determine the role of this variant in disease. Therefore, it has been classified as a Variant of Uncertain Significance. Nucleotide substitutions within the consensus splice site are a relatively common cause of aberrant splicing (PMID: 17576681, 9536098). Algorithms developed to predict the effect of sequence changes on RNA splicing suggest that this variant may disrupt the consensus splice site, but this prediction has not been confirmed by published transcriptional studies. This variant has not been reported in the literature in individuals with IFT172-related conditions. This variant is not present in population databases (ExAC no frequency). This sequence change falls in intron 22 of the IFT172 gene. It does not directly change the encoded amino acid sequence of the IFT172 protein, but it affects a nucleotide within the consensus splice site of the intron.

PreventionGenetics, part of Exact Sciences
Classification: Likely benign for IFT172-related condition. Last evaluated: 2023-07-28. Review status: no assertion criteria provided. Collection method: clinical testing. Allele origin: germline. Not counted in ClinVar's aggregate classification.
Comment: This variant is classified as likely benign based on ACMG/AMP sequence variant interpretation guidelines (Richards et al. 2015 PMID: 25741868, with internal and published modifications).

Literature cited by the submitters: PubMed 17576681 (cited by Labcorp Genetics (formerly Invitae), Labcorp); PubMed 9536098 (cited by Labcorp Genetics (formerly Invitae), Labcorp).

NM_015662.3(IFT172):c.2442+5G>A

Gene: IFT172 (intraflagellar transport 172; minus strand). Cytogenetic location: 2p23.3.
Variant type: single nucleotide variant.
Coding change: c.2442+5G>A on transcript NM_015662.3 (MANE Select); 5 bases into the intron after coding-DNA position 2442, G replaced by A.
Molecular consequence: intron variant.
Genome position (GRCh38, 1-based): chr2:27,461,264, C>T on the plus strand (G>A on the coding strand, the complement: IFT172 is on the minus strand). VCF-style: chr2-27461264-C-T. GRCh37 (hg19) VCF-style: chr2-27684131-C-T.
Identifiers: ClinVar variation 845097 (VCV000845097.8), dbSNP rs1666641444, ClinGen allele CA916082522.